The following is an entry in ClinVar:

ClinVar aggregate classification (germline): Uncertain significance (1 of 4 stars; one submission).

Conditions:
Inborn genetic diseases. Identifiers: MedGen C0950123, MeSH D030342.

Submission:

Ambry Genetics
Classification: Uncertain significance for Inborn genetic diseases. Last evaluated: 2025-01-04. Review status: criteria provided, single submitter. Criteria: Ambry Variant Classification Scheme 2023. Collection method: clinical testing. Allele origin: germline.
Comment: The p.S610R variant (also known as c.1830C>A), located in coding exon 1 of the SAMD9 gene, results from a C to A substitution at nucleotide position 1830. The serine at codon 610 is replaced by arginine, an amino acid with dissimilar properties. This amino acid position is conserved. In addition, this alteration is predicted to be tolerated by in silico analysis. Based on the available evidence, the clinical significance of this variant remains unclear.

NM_017654.4(SAMD9):c.1830C>A (p.Ser610Arg)

Gene: SAMD9 (sterile alpha motif domain containing 9; minus strand). Cytogenetic location: 7q21.2.
Variant type: single nucleotide variant.
Coding change: c.1830C>A on transcript NM_017654.4 (MANE Select); coding-DNA position 1830, C replaced by A.
Protein change: p.Ser610Arg; replaces serine 610 with arginine.
Molecular consequence: missense variant.
Genome position (GRCh38, 1-based): chr7:93,104,268, G>T on the plus strand (C>A on the coding strand, the complement: SAMD9 is on the minus strand). VCF-style: chr7-93104268-G-T. GRCh37 (hg19) VCF-style: chr7-92733581-G-T.
Other names: c.1830C>A, p.Ser610Arg (NM_001193307.2); short protein forms S610R.
Identifiers: ClinVar variation 3791972 (VCV003791972.1).
Genomic context (GRCh38, chr7:93,104,268, plus strand): 5'-CCTTTTTGAAGATTGAGTCACAGATTTTAGTTTAAGAATAGTGCCATTGATCTCTTCAAG[G>T]CTTAAAGCAGAAATACATTGGCTTGAAATTTCATCTTGGTGTTTTATTAATCTTGCTTCA-3'
Protein context (NP_060124.2, residues 600-620): EISSQCISAL[Ser610Arg]LEEINGTILK